The following is an entry in ClinVar:

NM_018979.4(WNK1):c.-122C>T

Gene: WNK1 (WNK lysine deficient protein kinase 1; plus strand). Cytogenetic location: 12p13.33.
Variant type: single nucleotide variant.
Coding change: c.-122C>T on transcript NM_018979.4 (MANE Select); 122 bases upstream of the start codon, C replaced by T.
Molecular consequence: 5 prime UTR variant.
Genome position (GRCh38, 1-based): chr12:753,444, C>T. VCF-style: chr12-753444-C-T. GRCh37 (hg19) VCF-style: chr12-862610-C-T.
Other names: c.-122C>T (NM_001184985.2, NM_014823.3, NM_213655.5).
Identifiers: ClinVar variation 310532 (VCV000310532.6), dbSNP rs538911254, ClinGen allele CA10633575.

ClinVar aggregate classification (germline): Benign. Review status: criteria provided, multiple submitters, no conflicts (2 of 4 stars). 2 submissions from 2 submitters: Benign (2). Last evaluated 2018-01-13.

Conditions:
Pseudohypoaldosteronism type 2C (PHA2C). Also called: Pseudohypoaldosteronism Type IIC. Identifiers: Orphanet 757, Orphanet 88940, MedGen C1840391, MONDO:0013778, OMIM 614492.

Allele frequency attached by ClinVar (database versions not stated): gnomAD 0.00078 and 0.00098; TOPMed 0.00081; gnomAD exomes 0.00145; 1000 Genomes Project 30x 0.00219; 1000 Genomes Project 0.00240.
gnomAD v4.1: 1,881 of 1,339,280 alleles (0.14%); highest among the groups gnomAD compares: South Asian, 0.89%; 16 homozygotes.

Submissions (2):

Illumina Laboratory Services, Illumina
Classification: Benign for Pseudohypoaldosteronism type 2C. Last evaluated: 2018-01-13. Review status: criteria provided, single submitter. Criteria: ICSL Variant Classification Criteria 13 December 2019. Collection method: clinical testing. Allele origin: germline.
Comment: This variant was observed in the ICSL laboratory as part of a predisposition screen in an ostensibly healthy population. It had not been previously curated by ICSL or reported in the Human Gene Mutation Database (HGMD: prior to June 1st, 2018), and was therefore a candidate for classification through an automated scoring system. Utilizing variant allele frequency, disease prevalence and penetrance estimates, and inheritance mode, an automated score was calculated to assess if this variant is too frequent to cause the disease. Based on the score and internal cut-off values, a variant classified as benign is not then subjected to further curation. The score for this variant resulted in a classification of benign for this disease.

Breakthrough Genomics
Classification: Benign. Review status: criteria provided, single submitter. Criteria: ACMG Guidelines, 2015. Collection method: not provided. Allele origin: germline. Inheritance: Autosomal recessive inheritance. Affected: yes.